The following is an entry in ClinVar:

NM_002860.4(ALDH18A1):c.*8C>T

Gene: ALDH18A1 (aldehyde dehydrogenase 18 family member A1; minus strand). Cytogenetic location: 10q24.1.
Variant type: single nucleotide variant.
Coding change: c.*8C>T on transcript NM_002860.4 (MANE Select); 8 bases downstream of the stop codon, C replaced by T.
Molecular consequence: 3 prime UTR variant.
Genome position (GRCh38, 1-based): chr10:95,606,754, G>A on the plus strand (C>T on the coding strand, the complement: ALDH18A1 is on the minus strand). VCF-style: chr10-95606754-G-A. GRCh37 (hg19) VCF-style: chr10-97366511-G-A.
Other names: c.*8C>T (NM_001017423.2, NM_001323412.2, NM_001323413.2 and 6 more transcripts).
Identifiers: ClinVar variation 1223686 (VCV001223686.5), dbSNP rs201876082, ClinGen allele CA5620076.

ClinVar aggregate classification (germline): Likely benign (1 of 4 stars; one submission).

Allele frequency attached by ClinVar (database versions not stated): gnomAD exomes 0.00008; ExAC 0.00010; gnomAD 0.00036 and 0.00037; TOPMed 0.00036; ESP Exome Variant Server 0.00054; 1000 Genomes Project 0.00060; 1000 Genomes Project 30x 0.00078.
gnomAD v4.1: 98 of 1,614,070 alleles (0.0061%); highest among the groups gnomAD compares: African/African-American, 0.12%; no homozygotes.

Submission:

GeneDx
Classification: Likely benign. Last evaluated: 2023-09-19. Review status: criteria provided, single submitter. Criteria: GeneDx Variant Classification Process June 2021. Collection method: clinical testing. Allele origin: germline. Affected: yes.
Comment: See Variant Classification Assertion Criteria.